The following is an entry in ClinVar:

NM_152383.5(DIS3L2):c.342A>T (p.Lys114Asn)

Gene: DIS3L2 (DIS3 like 3'-5' exoribonuclease 2; plus strand). Cytogenetic location: 2q37.1.
Variant type: single nucleotide variant.
Coding change: c.342A>T on transcript NM_152383.5 (MANE Select); coding-DNA position 342, A replaced by T.
Protein change: p.Lys114Asn; replaces lysine 114 with asparagine.
Molecular consequence: missense variant. On other transcripts: non-coding transcript variant (2).
Genome position (GRCh38, 1-based): chr2:232,030,056, A>T. VCF-style: chr2-232030056-A-T. GRCh37 (hg19) VCF-style: chr2-232894766-A-T.
Other names: c.342A>T, p.Lys114Asn (NM_001257281.2, NM_001257282.2); short protein forms K114N.
Identifiers: ClinVar variation 1056309 (VCV001056309.9), dbSNP rs2106239848, ClinGen allele CA351153003.

ClinVar aggregate classification (germline): Uncertain significance (1 of 4 stars; one submission).

Conditions:
Perlman syndrome (PRLMNS). Identifiers: Orphanet 2849, MedGen C0796113, MONDO:0009965, OMIM 267000.

Submission:

Labcorp Genetics (formerly Invitae), Labcorp
Classification: Uncertain significance for Perlman syndrome. Last evaluated: 2020-06-10. Review status: criteria provided, single submitter. Criteria: Invitae Variant Classification Sherloc (09022015). Collection method: clinical testing. Allele origin: germline.
Comment: In summary, the available evidence is currently insufficient to determine the role of this variant in disease. Therefore, it has been classified as a Variant of Uncertain Significance. Algorithms developed to predict the effect of missense changes on protein structure and function output the following: SIFT: "Tolerated"; PolyPhen-2: "Benign"; Align-GVGD: "Class C0". The asparagine amino acid residue is found in multiple mammalian species, suggesting that this missense change does not adversely affect protein function. These predictions have not been confirmed by published functional studies and their clinical significance is uncertain. This sequence change replaces lysine with asparagine at codon 114 of the DIS3L2 protein (p.Lys114Asn). The lysine residue is moderately conserved and there is a moderate physicochemical difference between lysine and asparagine. This variant is not present in population databases (ExAC no frequency). This variant has not been reported in the literature in individuals with DIS3L2-related conditions.